The following is an entry in ClinVar:

NM_000059.4(BRCA2):c.470_474del (p.Lys157fs)

Gene: BRCA2 (BRCA2 DNA repair associated; plus strand). Cytogenetic location: 13q13.1.
Variant type: Deletion.
Coding change: c.470_474del on transcript NM_000059.4 (MANE Select); coding-DNA positions 470 to 474, 5 bases deleted (AGTCA; older notation c.470_474delAGTCA).
Protein change: p.Lys157fs; shifts the reading frame from lysine 157.
Molecular consequence: frameshift variant.
Genome position (GRCh38, 1-based): chr13:32,326,145-32,326,149, AGTCA deleted; deleting any 5 consecutive bases within chr13:32,326,144-32,326,149 gives the same sequence; the c. name uses the placement nearest the transcript's 3' end. VCF-style (leftmost placement, unchanged base first): chr13-32326143-TAAGTC-T. GRCh37 (hg19) VCF-style: chr13-32900280-TAAGTC-T.
Other names: 698_702delAGTCA; 698del5; c.470_474delAGTCA (NM_000059.3).
Identifiers: ClinVar variation 51701 (VCV000051701.21), dbSNP rs80359463, ClinGen allele CA020691.

ClinVar aggregate classification (germline): Pathogenic. Review status: reviewed by expert panel (3 of 4 stars). 12 submissions from 12 submitters: Pathogenic (1). 11 of the submissions do not count toward it. Last evaluated 2016-04-22.

Conditions:
Pancreatic cancer, susceptibility to, 2. Identifiers: Orphanet 1333, MedGen C3150546, MONDO:0013235, OMIM 613347.
Glioma susceptibility 3 (GLM3). Also called: Glioblastoma 3. Identifiers: Orphanet 182067, Orphanet 360, MedGen C2751641, MONDO:0013093, OMIM 613029.
Familial prostate cancer. Also called: Hereditary Prostate Cancer. Identifiers: MedGen C2931456, MONDO:0700275, OMIM 176807.
Breast-ovarian cancer, familial, susceptibility to, 2 (BROVCA2). Also called: BRCA2 Hereditary Breast and Ovarian Cancer. Identifiers: Orphanet 145, MedGen C2675520, MONDO:0012933, OMIM 612555. Disease mechanism: loss of function.
Fanconi anemia complementation group D1. Also called: BRCA2-Related Fanconi Anemia. Identifiers: Orphanet 319462, MedGen C1838457, MONDO:0011584, OMIM 605724.
Medulloblastoma (MDB). Also called: Medulloblastoma, somatic; MEDULLOBLASTOMA PREDISPOSITION SYNDROME. Identifiers: Orphanet 616, MedGen C0025149, MeSH D008527, MONDO:0007959, OMIM 155255, HP:0002885.
Wilms tumor 1 (WT1). Also called: Wilms tumor, somatic. Identifiers: Orphanet 654, MedGen CN033288, MONDO:0008679, OMIM 194070.
Familial cancer of breast. Also called: BREAST CANCER, FAMILIAL; hereditary breast carcinoma; Hereditary breast cancer. Identifiers: Orphanet 227535, MedGen C0346153, MONDO:0016419, OMIM 114480. Disease mechanism: loss of function.
Hereditary cancer-predisposing syndrome. Also called: Neoplastic Syndromes, Hereditary; Tumor predisposition; Hereditary Cancer Syndrome; Hereditary neoplastic syndrome. Identifiers: Orphanet 140162, MedGen C0027672, MeSH D009386, MONDO:0015356.
Hereditary breast ovarian cancer syndrome. Also called: Breast and ovarian cancer; Hereditary breast and ovarian cancer; Hereditary breast and ovarian cancer syndrome (HBOC); Hereditary breast and ovarian cancer syndrome; BRCA1- and BRCA2-Associated Hereditary Breast and Ovarian Cancer; Hereditary breast and/or ovarian cancer syndrome. Identifiers: Orphanet 145, MedGen C0677776, MeSH D061325, MONDO:0003582. Disease mechanism: loss of function.

Submissions (12):

Evidence-based Network for the Interpretation of Germline Mutant Alleles (ENIGMA)
Classification: Pathogenic for Breast-ovarian cancer, familial, susceptibility to, 2. Last evaluated: 2016-04-22. Review status: reviewed by expert panel. Criteria: ENIGMA BRCA1/2 Classification Criteria (2015). Collection method: curation. Allele origin: germline.
Comment: Variant allele predicted to encode a truncated non-functional protein.

Labcorp Genetics (formerly Invitae), Labcorp
Classification: Pathogenic for Hereditary breast ovarian cancer syndrome. Last evaluated: 2026-02-02. Review status: criteria provided, single submitter. Criteria: Invitae Variant Classification Sherloc (09022015). Collection method: clinical testing. Allele origin: germline. Not counted in ClinVar's aggregate classification.
Comment: This sequence change creates a premature translational stop signal (p.Lys157Serfs*24) in the BRCA2 gene. It is expected to result in an absent or disrupted protein product. Loss-of-function variants in BRCA2 are known to be pathogenic (PMID: 20104584). This variant is not present in population databases (gnomAD no frequency). This premature translational stop signal has been observed in individual(s) with breast cancer and/or ovarian cancer (PMID: 17851763, 27767231, 28294317, 28724667, 29487695). This variant is also known as 698del5, Stop 180, c.469_473del. ClinVar contains an entry for this variant (Variation ID: 51701). Studies have shown that this premature translational stop signal alters mRNA splicing and is expected to lead to the loss of protein expression (PMID: 20215541, 27060066, 30883759). For these reasons, this variant has been classified as Pathogenic.

Ambry Genetics
Classification: Pathogenic for Hereditary cancer-predisposing syndrome. Last evaluated: 2024-11-04. Review status: criteria provided, single submitter. Criteria: Ambry Variant Classification Scheme 2023. Collection method: clinical testing. Allele origin: germline. Not counted in ClinVar's aggregate classification.
Comment: The c.470_474delAGTCA pathogenic mutation, located in coding exon 4 of the BRCA2 gene, results from a deletion of 5 nucleotides at nucleotide positions 470 to 474, causing a translational frameshift with a predicted alternate stop codon (p.K157Sfs*24). In addition to causing premature protein truncation, functional splicing analysis demonstrates that this alteration also results in exon 5 skipping via disruption of the exonic splicing enhancer (Sanz DJ et al. Clin. Cancer Res. 2010; 16:1957-67). This variant is considered to be rare based on population cohorts in the Genome Aggregation Database (gnomAD). In addition to the clinical data presented in the literature, this alteration is expected to result in loss of function by premature protein truncation or nonsense-mediated mRNA decay. As such, this alteration is interpreted as a disease-causing mutation.

Fulgent Genetics
Classification: Pathogenic for Familial cancer of breast; Medulloblastoma; Familial prostate cancer; Wilms tumor 1; Fanconi anemia complementation group D1; Breast-ovarian cancer, familial, susceptibility to, 2; Glioma susceptibility 3; Pancreatic cancer, susceptibility to, 2. Last evaluated: 2024-02-29. Review status: criteria provided, single submitter. Criteria: ACMG Guidelines, 2015. Collection method: clinical testing. Allele origin: germline. Not counted in ClinVar's aggregate classification.

GeneDx
Classification: Pathogenic. Last evaluated: 2022-03-30. Review status: criteria provided, single submitter. Criteria: GeneDx Variant Classification Process June 2021. Collection method: clinical testing. Allele origin: germline. Affected: yes. Not counted in ClinVar's aggregate classification.
Comment: Frameshift variant predicted to result in protein truncation or nonsense mediated decay in a gene for which loss of function is a known mechanism of disease, while also shown to result in aberrant splicing resulting in multiple transcripts including deletion exon 5 (Sanz 2010, Stauffer 2020); Observed in individuals with a personal or family history consistent with pathogenic variants in this gene (Li 2008, Cao 2016, Weren 2016, Sun 2017); Published functional studies demonstrate a damaging effect: reduced cell viability and hypersensitivity to DNA damaging agents (Stauffer 2020); Not observed at significant frequency in large population cohorts (gnomAD); Truncating variants in this gene are considered pathogenic by a well-established clinical consortium and/or database; Also known as 698_702del or 469_473del; This variant is associated with the following publications: (PMID: 30720863, 28176296, 30702160, 31174498, 27060066, 29487695, 28294317, 26295337, 33563323, 32926049, 26852015, 32623769, 30883759, 31825140, 17851763, 20215541, 22632462, 32393813, 28724667, 27767231)

Color Diagnostics, LLC DBA Color Health
Classification: Pathogenic for Hereditary cancer-predisposing syndrome. Last evaluated: 2022-03-08. Review status: criteria provided, single submitter. Criteria: ACMG Guidelines, 2015. Collection method: clinical testing. Allele origin: germline. Not counted in ClinVar's aggregate classification.
Comment: This variant deletes 5 nucleotides in exon 5 of the BRCA2 protein, creating a frameshift and premature translation stop signal. This variant is expected to result in an absent or non-functional protein product. This variant has been reported in 11 individuals affected with breast or ovarian cancer (PMID: 17851763, 28294317, 29487695, 31174498, doi:10.1515/tjb-2019-0424) and has been identified in 5 families among the CIMBA participants (PMID: 29446198). This variant has not been identified in the general population by the Genome Aggregation Database (gnomAD). Loss of BRCA2 function is a known mechanism of disease. Based on the available evidence, this variant is classified as Pathogenic.

Consortium of Investigators of Modifiers of BRCA1/2 (CIMBA), c/o University of Cambridge
Classification: Pathogenic for Breast-ovarian cancer, familial, susceptibility to, 2. Last evaluated: 2015-10-02. Review status: criteria provided, single submitter. Criteria: CIMBA Mutation Classification guidelines May 2016. Collection method: clinical testing. Allele origin: germline. Not counted in ClinVar's aggregate classification.

Quest Diagnostics Nichols Institute San Juan Capistrano
Classification: Pathogenic for Breast-ovarian cancer, familial, susceptibility to, 2. Last evaluated: 2015-02-05. Review status: criteria provided, single submitter. Criteria: Quest Diagnostics criteria. Collection method: clinical testing. Allele origin: germline. Inheritance: Autosomal dominant inheritance. Not counted in ClinVar's aggregate classification.

Department of Pathology and Laboratory Medicine, Sinai Health System
Classification: Pathogenic for Hereditary breast ovarian cancer syndrome. Review status: criteria provided, single submitter. Criteria: ACMG Guidelines, 2015. Collection method: clinical testing. Allele origin: germline. Affected: yes. Study: The Canadian Open Genetics Repository (COGR). Not counted in ClinVar's aggregate classification.

Research Molecular Genetics Laboratory, Women's College Hospital, University of Toronto
Classification: Pathogenic for Hereditary breast ovarian cancer syndrome. Last evaluated: 2014-01-31. Review status: no assertion criteria provided. Collection method: research. Allele origin: germline. Affected: yes. Study: The Canadian Open Genetics Repository (COGR). Not counted in ClinVar's aggregate classification.

Sharing Clinical Reports Project (SCRP)
Classification: Pathogenic for Breast-ovarian cancer, familial 2. Last evaluated: 2006-12-19. Review status: no assertion criteria provided. Collection method: clinical testing. Allele origin: germline. Not counted in ClinVar's aggregate classification.

Breast Cancer Information Core (BIC) (BRCA2)
Classification: Pathogenic for Breast-ovarian cancer, familial 2. Last evaluated: 2003-12-23. Review status: no assertion criteria provided. Collection method: clinical testing. Allele origin: germline. Affected: yes. Observed: 1 variant allele. Not counted in ClinVar's aggregate classification.

Literature cited by the submitters: PubMed 20104584 (cited by Labcorp Genetics (formerly Invitae), Labcorp); PubMed 17851763 (cited by 4 submitters); PubMed 27767231 (cited by Labcorp Genetics (formerly Invitae), Labcorp); PubMed 28294317 (cited by Labcorp Genetics (formerly Invitae), Labcorp and Color Diagnostics, LLC DBA Color Health); PubMed 28724667 (cited by Labcorp Genetics (formerly Invitae), Labcorp); PubMed 29487695 (cited by Labcorp Genetics (formerly Invitae), Labcorp and Color Diagnostics, LLC DBA Color Health); PubMed 20215541 (cited by 3 submitters); PubMed 27060066 (cited by Labcorp Genetics (formerly Invitae), Labcorp); PubMed 30883759 (cited by Labcorp Genetics (formerly Invitae), Labcorp); PubMed 29446198 (cited by Color Diagnostics, LLC DBA Color Health); PubMed 31174498 (cited by Color Diagnostics, LLC DBA Color Health); PubMed 26295337 (cited by Quest Diagnostics Nichols Institute San Juan Capistrano).